The following is an entry in ClinVar:

NM_015338.6(ASXL1):c.1393C>G (p.His465Asp)

Gene: ASXL1 (ASXL transcriptional regulator 1; plus strand). Cytogenetic location: 20q11.21.
Variant type: single nucleotide variant.
Coding change: c.1393C>G on transcript NM_015338.6 (MANE Select); coding-DNA position 1393, C replaced by G.
Protein change: p.His465Asp; replaces histidine 465 with aspartic acid.
Molecular consequence: missense variant.
Genome position (GRCh38, 1-based): chr20:32,433,591, C>G. VCF-style: chr20-32433591-C-G. GRCh37 (hg19) VCF-style: chr20-31021394-C-G.
Other names: c.1210C>G, p.His404Asp (NM_001363734.1); short protein forms H404D, H465D.
Identifiers: ClinVar variation 4864257 (VCV004864257.1).

ClinVar aggregate classification (germline): Uncertain significance (1 of 4 stars; one submission).

Conditions:
Inborn genetic diseases. Identifiers: MedGen C0950123, MeSH D030342.

Submission:

Ambry Genetics
Classification: Uncertain significance for Inborn genetic diseases. Last evaluated: 2026-04-19. Review status: criteria provided, single submitter. Criteria: Ambry Variant Classification Scheme 2023. Collection method: clinical testing. Allele origin: germline.
Comment: The p.H465D variant (also known as c.1393C>G), located in coding exon 12 of the ASXL1 gene, results from a C to G substitution at nucleotide position 1393. The histidine at codon 465 is replaced by aspartic acid, an amino acid with similar properties. This amino acid position is conserved. In addition, this alteration is predicted to be tolerated by in silico analysis. Based on the available evidence, the clinical significance of this variant remains unclear.